The following is an entry in ClinVar:

NM_199242.3(UNC13D):c.3044A>G (p.Glu1015Gly)

Gene: UNC13D (unc-13 homolog D; minus strand). Cytogenetic location: 17q25.1.
Variant type: single nucleotide variant.
Coding change: c.3044A>G on transcript NM_199242.3 (MANE Select); coding-DNA position 3044, A replaced by G.
Protein change: p.Glu1015Gly; replaces glutamic acid 1015 with glycine.
Molecular consequence: missense variant.
Genome position (GRCh38, 1-based): chr17:75,828,894, T>C on the plus strand (A>G on the coding strand, the complement: UNC13D is on the minus strand). VCF-style: chr17-75828894-T-C. GRCh37 (hg19) VCF-style: chr17-73824975-T-C.
Other names: short protein forms E1015G.
Identifiers: ClinVar variation 1525689 (VCV001525689.7), dbSNP rs2062141978, ClinGen allele CA401074748.

ClinVar aggregate classification (germline): Uncertain significance. Review status: criteria provided, multiple submitters, no conflicts (2 of 4 stars). 2 submissions from 2 submitters: Uncertain significance (2). Last evaluated 2024-02-24.

Conditions:
Familial hemophagocytic lymphohistiocytosis 3 (FHL3). Also called: UNC13D-Related Familial Hemophagocytic Lymphohistiocytosis (UNC13D-fHLH). Identifiers: Orphanet 540, MedGen C1837174, MONDO:0012146, OMIM 608898.

Allele frequency attached by ClinVar (database versions not stated): gnomAD exomes below 0.00001; TOPMed below 0.00001.

Submissions (2):

Labcorp Genetics (formerly Invitae), Labcorp
Classification: Uncertain significance for Familial hemophagocytic lymphohistiocytosis 3. Last evaluated: 2024-02-24. Review status: criteria provided, single submitter. Criteria: Invitae Variant Classification Sherloc (09022015). Collection method: clinical testing. Allele origin: germline.
Comment: This sequence change replaces glutamic acid, which is acidic and polar, with glycine, which is neutral and non-polar, at codon 1015 of the UNC13D protein (p.Glu1015Gly). This variant is not present in population databases (gnomAD no frequency). This variant has not been reported in the literature in individuals affected with UNC13D-related conditions. ClinVar contains an entry for this variant (Variation ID: 1525689). Advanced modeling of protein sequence and biophysical properties (such as structural, functional, and spatial information, amino acid conservation, physicochemical variation, residue mobility, and thermodynamic stability) performed at Invitae indicates that this missense variant is not expected to disrupt UNC13D protein function with a negative predictive value of 80%. In summary, the available evidence is currently insufficient to determine the role of this variant in disease. Therefore, it has been classified as a Variant of Uncertain Significance.

Breakthrough Genomics
Classification: Uncertain significance. Review status: criteria provided, single submitter. Criteria: ACMG Guidelines, 2015. Collection method: not provided. Allele origin: germline. Inheritance: Autosomal recessive inheritance. Affected: yes.